The following is an entry in ClinVar:

ClinVar aggregate classification (germline): Conflicting classifications of pathogenicity. Review status: criteria provided, conflicting classifications (1 of 4 stars). 4 submissions from 4 submitters: Uncertain significance (1); Likely benign (3). Last evaluated 2026-01-28.

Conditions:
Dystonic disorder. Also called: Dystonia. Identifiers: MedGen C0013421, MONDO:0003441, HP:0001332.
Dopa-responsive dystonia due to sepiapterin reductase deficiency. Also called: DYT-SPR; SPR DEFICIENCY; Sepiapterin reductase deficiency. Identifiers: Orphanet 70594, MedGen C0268468, MONDO:0012994, OMIM 612716.

Allele frequency attached by ClinVar (database versions not stated): ExAC 0.00015; gnomAD exomes 0.00018; TOPMed 0.00020; gnomAD 0.00021 and 0.00024; ESP Exome Variant Server 0.00031.
gnomAD v4.1: 514 of 1,614,060 alleles (0.032%); highest among the groups gnomAD compares: Non-Finnish European, 0.041%; no homozygotes.

Submissions (4):

Labcorp Genetics (formerly Invitae), Labcorp
Classification: Likely benign for Dystonic disorder. Last evaluated: 2026-01-28. Review status: criteria provided, single submitter. Criteria: Invitae Variant Classification Sherloc (09022015). Collection method: clinical testing. Allele origin: germline.

Mayo Clinic Laboratories, Mayo Clinic
Classification: Likely benign. Last evaluated: 2025-06-17. Review status: criteria provided, single submitter. Criteria: ACMG Guidelines, 2015. Collection method: clinical testing. Allele origin: germline. Observed: 1 variant allele.
Comment: BP4, BP7

CeGaT Center for Human Genetics Tuebingen
Classification: Likely benign. Last evaluated: 2025-01-01. Review status: criteria provided, single submitter. Criteria: CeGaT Center For Human Genetics Tuebingen Variant Classification Criteria Version 2. Collection method: clinical testing. Allele origin: germline. Affected: yes. Observed: 1 variant allele.
Comment: SPR: BP4, BP7

Illumina Laboratory Services, Illumina
Classification: Uncertain significance for Dopa-responsive dystonia due to sepiapterin reductase deficiency. Last evaluated: 2018-01-12. Review status: criteria provided, single submitter. Criteria: ICSL Variant Classification Criteria 13 December 2019. Collection method: clinical testing. Allele origin: germline.

NM_003124.5(SPR):c.369C>T (p.Tyr123=)

Gene: SPR (sepiapterin reductase; plus strand). Cytogenetic location: 2p13.2.
Variant type: single nucleotide variant.
Coding change: c.369C>T on transcript NM_003124.5 (MANE Select); coding-DNA position 369, C replaced by T.
Protein change: p.Tyr123=; no amino-acid change (tyrosine 123 retained).
Molecular consequence: synonymous variant.
Genome position (GRCh38, 1-based): chr2:72,888,378, C>T. VCF-style: chr2-72888378-C-T. GRCh37 (hg19) VCF-style: chr2-73115507-C-T.
Other names: p.Tyr123=.
Identifiers: ClinVar variation 336990 (VCV000336990.29), dbSNP rs146349901, ClinGen allele CA1708942.